The following is an entry in ClinVar:

NM_182931.3(KMT2E):c.3038_3039insGGTG (p.Cys1013fs)

Gene: KMT2E (lysine methyltransferase 2E (inactive); plus strand). Cytogenetic location: 7q22.3.
Variant type: Insertion.
Coding change: c.3038_3039insGGTG on transcript NM_182931.3 (MANE Select); coding-DNA positions 3038 to 3039, GGTG inserted.
Protein change: p.Cys1013fs; shifts the reading frame from cysteine 1013.
Molecular consequence: frameshift variant.
Genome position: GRCh38 VCF-style: chr7-105107492-A-AGTGG. GRCh37 (hg19) VCF-style: chr7-104747939-A-AGTGG.
Other names: c.3038_3039insGGTG, p.Cys1013fs (NM_001410908.1, NM_018682.4); short protein forms C1013fs.
Identifiers: ClinVar variation 2851390 (VCV002851390.3), dbSNP rs2536509325, ClinGen allele CA2739277813.

ClinVar aggregate classification (germline): Pathogenic (1 of 4 stars; one submission).

Submission:

Labcorp Genetics (formerly Invitae), Labcorp
Classification: Pathogenic. Last evaluated: 2023-04-03. Review status: criteria provided, single submitter. Criteria: Invitae Variant Classification Sherloc (09022015). Collection method: clinical testing. Allele origin: germline.
Comment: This sequence change creates a premature translational stop signal (p.Cys1013Trpfs*20) in the KMT2E gene. It is expected to result in an absent or disrupted protein product. Loss-of-function variants in KMT2E are known to be pathogenic (PMID: 31079897). This variant is not present in population databases (gnomAD no frequency). This variant has not been reported in the literature in individuals affected with KMT2E-related conditions. For these reasons, this variant has been classified as Pathogenic.

Literature cited by the submitters: PubMed 31079897.